The following is an entry in ClinVar:

NM_203395.3(IYD):c.115G>A (p.Glu39Lys)

Gene: IYD (iodotyrosine deiodinase; plus strand). Cytogenetic location: 6q25.1.
Variant type: single nucleotide variant.
Coding change: c.115G>A on transcript NM_203395.3 (MANE Select); coding-DNA position 115, G replaced by A.
Protein change: p.Glu39Lys; replaces glutamic acid 39 with lysine.
Molecular consequence: missense variant. On other transcripts: 5 prime UTR variant (1), non-coding transcript variant (1).
Genome position (GRCh38, 1-based): chr6:150,369,146, G>A. VCF-style: chr6-150369146-G-A. GRCh37 (hg19) VCF-style: chr6-150690282-G-A.
Other names: c.115G>A, p.Glu39Lys (NM_001164694.2, NM_001164695.2); c.-64G>A (NM_001318495.2); short protein forms E39K.
Identifiers: ClinVar variation 2243865 (VCV002243865.2), dbSNP rs376472194, ClinGen allele CA4046923.
Genomic context (GRCh38, chr6:150,369,146, plus strand): 5'-ATCTTTAAAAATGCCGACAGAAGCATGGAGAAAAAGAAGGGGGAGCCTAGAACCAGGGCC[G>A]AAGCTCGCCCCTGGGTGGATGAAGACTTAAAAGACAGCAGTGACCTGCACCAAGCAGAAG-3'
Protein context (NP_981932.1, residues 29-49): KKKGEPRTRA[Glu39Lys]ARPWVDEDLK

ClinVar aggregate classification (germline): Uncertain significance (1 of 4 stars; one submission).

Allele frequency attached by ClinVar (database versions not stated): gnomAD exomes 0.00001; ExAC 0.00002; TOPMed 0.00005; ESP Exome Variant Server 0.00008; gnomAD 0.00009; 1000 Genomes Project 30x 0.00031; 1000 Genomes Project 0.00040.
gnomAD v4.1: 35 of 1,613,950 alleles (0.0022%); highest among the groups gnomAD compares: African/African-American, 0.025%; no homozygotes.

Submission:

Ambry Genetics
Classification: Uncertain significance. Last evaluated: 2021-08-12. Review status: criteria provided, single submitter. Criteria: Ambry Variant Classification Scheme 2023. Collection method: clinical testing. Allele origin: germline.
Comment: Does not currently meet published gene-disease clinical validity criteria for this gene (Smith, 2017) Based on insufficient or conflicting evidence, the clinical significance of this alteration remains unclear.

Literature cited by the submitters: PubMed 28106320.